The following is an entry in ClinVar:

NM_001126128.2(PROK2):c.349C>T (p.Arg117Trp)

Gene: PROK2 (prokineticin 2; minus strand). Cytogenetic location: 3p13.
Variant type: single nucleotide variant.
Coding change: c.349C>T on transcript NM_001126128.2 (MANE Select); coding-DNA position 349, C replaced by T.
Protein change: p.Arg117Trp; replaces arginine 117 with tryptophan.
Molecular consequence: missense variant.
Genome position (GRCh38, 1-based): chr3:71,772,765, G>A on the plus strand (C>T on the coding strand, the complement: PROK2 is on the minus strand). VCF-style: chr3-71772765-G-A. GRCh37 (hg19) VCF-style: chr3-71821916-G-A.
Other names: c.286C>T, p.Arg96Trp (NM_021935.4); short protein forms R96W, R117W.
Identifiers: ClinVar variation 4987537 (VCV004987537.1).
Genomic context (GRCh38, chr3:71,772,765, plus strand): 5'-GGTTTCTACTCCAGAGCGATTACTTTTGGGCTAAACAAATAAATCGGTTAAATGAAGTCC[G>A]TAAACAGGCCAAGCCTGGCAGACATGGGCAAGTGTGATGCATCCTCCGCCCAAAAAATGG-3'
Protein context (NP_001119600.1, residues 107-127): CPCLPGLACL[Arg117Trp]TSFNRFICLA

ClinVar aggregate classification (germline): Uncertain significance (1 of 4 stars; one submission).

Conditions:
PROK2-related disorder. Also called: PROK2-related condition.

gnomAD v4.1: 51 of 1,614,044 alleles (0.0032%); highest among the groups gnomAD compares: East Asian, 0.0067%; no homozygotes.

Submission:

PreventionGenetics, part of Exact Sciences
Classification: Uncertain significance for PROK2-related condition. Last evaluated: 2026-04-08. Review status: criteria provided, single submitter. Criteria: ACMG Guidelines, 2015. Collection method: clinical testing. Allele origin: germline.
Comment: The PROK2 c.349C>T variant is predicted to result in the amino acid substitution p.Arg117Trp. This variant in the heterozygous condition was reported in two siblings with normosmic congenital hypogonadotropic hypogonadism; however, they inherited this variant from their unaffected mother and also carried a homozygous pathogenic variant in GNRHR (Méndez et al. 2015. PubMed ID: 25531638). This variant is reported in 0.011% of alleles in individuals of East Asian descent in gnomAD. Although we suspect that this variant may be benign, at this time, the clinical significance of this variant is uncertain due to the absence of conclusive functional and genetic evidence.